The following is an entry in ClinVar:

ClinVar aggregate classification (germline): Uncertain significance. Review status: criteria provided, multiple submitters, no conflicts (2 of 4 stars). 4 submissions from 4 submitters: Uncertain significance (3). 1 of the submissions does not count toward it. Last evaluated 2026-03-06.

Conditions:
Alstrom syndrome (ALMS). Identifiers: Orphanet 64, MedGen C0268425, MONDO:0008763, OMIM 203800.
Cardiovascular phenotype. Identifiers: MedGen CN230736.

Allele frequency attached by ClinVar (database versions not stated): gnomAD 0.00004 and 0.00003; gnomAD exomes 0.00002; ExAC 0.00005; TOPMed 0.00006; ESP Exome Variant Server 0.00008.
gnomAD v4.1: 39 of 1,610,678 alleles (0.0024%); highest among the groups gnomAD compares: African/African-American, 0.019%; no homozygotes.

Submissions (4):

GeneDx
Classification: Uncertain significance. Last evaluated: 2026-03-06. Review status: criteria provided, single submitter. Criteria: GeneDx Variant Classification Process June 2021. Collection method: clinical testing. Allele origin: germline.
Comment: In silico analysis supports that this missense variant has a deleterious effect on protein structure/function; Has not been previously published as pathogenic or benign to our knowledge; This variant is associated with the following publications: (PMID: 33608557)

Labcorp Genetics (formerly Invitae), Labcorp
Classification: Uncertain significance for Alstrom syndrome. Last evaluated: 2024-11-12. Review status: criteria provided, single submitter. Criteria: Invitae Variant Classification Sherloc (09022015). Collection method: clinical testing. Allele origin: germline.
Comment: This sequence change replaces arginine, which is basic and polar, with tryptophan, which is neutral and slightly polar, at codon 2510 of the ALMS1 protein (p.Arg2510Trp). This variant is present in population databases (rs34183407, gnomAD 0.02%). This missense change has been observed in individual(s) with Alstr√∂m syndrome (PMID: 33608557). This variant is also known as c.7528C>T (p.Arg2510Ter). ClinVar contains an entry for this variant (Variation ID: 567338). Experimental studies and prediction algorithms are not available or were not evaluated, and the functional significance of this variant is currently unknown. In summary, the available evidence is currently insufficient to determine the role of this variant in disease. Therefore, it has been classified as a Variant of Uncertain Significance.

Ambry Genetics
Classification: Uncertain significance for Cardiovascular phenotype. Last evaluated: 2024-02-21. Review status: criteria provided, single submitter. Criteria: Ambry Variant Classification Scheme 2023. Collection method: clinical testing. Allele origin: germline.
Comment: The p.R2510W variant (also known as c.7528C>T), located in coding exon 8 of the ALMS1 gene, results from a C to T substitution at nucleotide position 7528. The arginine at codon 2510 is replaced by tryptophan, an amino acid with dissimilar properties. This amino acid position is well conserved in available vertebrate species. In addition, this alteration is predicted to be deleterious by in silico analysis. Based on the available evidence, the clinical significance of this alteration remains unclear.

Natera, Inc.
Classification: Uncertain significance for Alstrom syndrome. Last evaluated: 2020-01-24. Review status: no assertion criteria provided. Collection method: clinical testing. Allele origin: germline. Not counted in ClinVar's aggregate classification.

Literature cited by the submitters: PubMed 33608557 (cited by Labcorp Genetics (formerly Invitae), Labcorp).

NM_001378454.1(ALMS1):c.7525C>T (p.Arg2509Trp)

Gene: ALMS1 (ALMS1 centrosome and basal body associated protein; plus strand). Cytogenetic location: 2p13.1.
Variant type: single nucleotide variant.
Coding change: c.7525C>T on transcript NM_001378454.1 (MANE Select); coding-DNA position 7525, C replaced by T.
Protein change: p.Arg2509Trp; replaces arginine 2509 with tryptophan.
Molecular consequence: missense variant.
Genome position (GRCh38, 1-based): chr2:73,454,052, C>T. VCF-style: chr2-73454052-C-T. GRCh37 (hg19) VCF-style: chr2-73681179-C-T.
Other names: c.7528C>T, p.Arg2510Trp (NM_015120.4); short protein forms R2510W, R2509W.
Identifiers: ClinVar variation 567338 (VCV000567338.9), dbSNP rs34183407, ClinGen allele CA1714248.